The following is an entry in ClinVar:

ClinVar aggregate classification (germline): Pathogenic/Likely pathogenic. Review status: criteria provided, multiple submitters, no conflicts (2 of 4 stars). 2 submissions from 2 submitters: Pathogenic (1); Likely pathogenic (1). Last evaluated 2023-10-20.

Submissions (2):

Clinical Genetics Laboratory, Skane University Hospital Lund
Classification: Likely pathogenic. Last evaluated: 2023-10-20. Review status: criteria provided, single submitter. Criteria: ACMG Guidelines, 2015. Collection method: clinical testing. Allele origin: germline. Affected: yes.

Labcorp Genetics (formerly Invitae), Labcorp
Classification: Pathogenic. Last evaluated: 2018-06-07. Review status: criteria provided, single submitter. Criteria: Invitae Variant Classification Sherloc (09022015). Collection method: clinical testing. Allele origin: germline.
Comment: For these reasons, this variant has been classified as Pathogenic. This variant is not present in population databases (ExAC no frequency). This variant has been reported to be de novo in an individual affected with spinocerebellar ataxia type 29 (PMID: 28659154). This variant is also referred to as c.1252-1G>T on transcript NM001099952.2. Algorithms developed to predict the effect of sequence changes on RNA splicing suggest that this variant may disrupt the consensus splice site, but this prediction has not been confirmed by published transcriptional studies. Donor and acceptor splice site variants typically lead to a loss of protein function (PMID: 16199547), and loss-of-function variants in ITPR1 are known to be pathogenic (PMID: 27108797). This sequence change affects an acceptor splice site in intron 13 of the ITPR1 gene. It is expected to disrupt RNA splicing and likely results in an absent or disrupted protein product.

Literature cited by the submitters: PubMed 28659154 (cited by Labcorp Genetics (formerly Invitae), Labcorp); PubMed 16199547 (cited by Labcorp Genetics (formerly Invitae), Labcorp); PubMed 27108797 (cited by Labcorp Genetics (formerly Invitae), Labcorp).

NM_001378452.1(ITPR1):c.1252-1G>T

Gene: ITPR1 (inositol 1,4,5-trisphosphate receptor type 1; plus strand). Cytogenetic location: 3p26.1.
Variant type: single nucleotide variant.
Coding change: c.1252-1G>T on transcript NM_001378452.1 (MANE Select); the canonical splice acceptor site of the intron before coding-DNA position 1252, G replaced by T.
Molecular consequence: splice acceptor variant.
Genome position (GRCh38, 1-based): chr3:4,662,081, G>T. VCF-style: chr3-4662081-G-T. GRCh37 (hg19) VCF-style: chr3-4703765-G-T.
Other names: c.1252-1G>T (NM_001099952.4); c.1207-1G>T (NM_001168272.2, NM_002222.7).
Identifiers: ClinVar variation 1069191 (VCV001069191.6), dbSNP rs1064796337, ClinGen allele CA351640742.